The following is an entry in ClinVar:

NM_000143.4(FH):c.486T>G (p.Ile162Met)

Gene: FH (fumarate hydratase; minus strand). Cytogenetic location: 1q43.
Variant type: single nucleotide variant.
Coding change: c.486T>G on transcript NM_000143.4 (MANE Select); coding-DNA position 486, T replaced by G.
Protein change: p.Ile162Met; replaces isoleucine 162 with methionine.
Molecular consequence: missense variant.
Genome position (GRCh38, 1-based): chr1:241,512,036, A>C on the plus strand (T>G on the coding strand, the complement: FH is on the minus strand). VCF-style: chr1-241512036-A-C. GRCh37 (hg19) VCF-style: chr1-241675336-A-C.
Other names: short protein forms I162M.
Identifiers: ClinVar variation 1743715 (VCV001743715.2), dbSNP rs1573885412, ClinGen allele CA345439997.
Genomic context (GRCh38, chr1:241,512,036, plus strand): 5'-ATTAACATGATCGTTGGGATGCACAGGTATCTTGCTGCCAAGTTCACCTCCTAACATTTC[A>C]ATTGCTCTATTGCTAATGACTTCATTTACATTCATATTTGTCTGAGTTCCTGATCCAGTC-3'
Protein context (NP_000134.2, residues 152-172): NVNEVISNRA[Ile162Met]EMLGGELGSK

ClinVar aggregate classification (germline): Uncertain significance (1 of 4 stars; one submission).

Conditions:
Hereditary cancer-predisposing syndrome. Also called: Hereditary Cancer Syndrome; Neoplastic Syndromes, Hereditary; Tumor predisposition; Hereditary neoplastic syndrome. Identifiers: Orphanet 140162, MedGen C0027672, MeSH D009386, MONDO:0015356.

Submission:

Ambry Genetics
Classification: Uncertain significance for Hereditary cancer-predisposing syndrome. Last evaluated: 2021-05-04. Review status: criteria provided, single submitter. Criteria: Ambry Variant Classification Scheme 2023. Collection method: clinical testing. Allele origin: germline.
Comment: The p.I162M variant (also known as c.486T>G), located in coding exon 4 of the FH gene, results from a T to G substitution at nucleotide position 486. The isoleucine at codon 162 is replaced by methionine, an amino acid with highly similar properties. This amino acid position is highly conserved in available vertebrate species. In addition, this alteration is predicted to be deleterious by in silico analysis. Since supporting evidence is limited at this time, the clinical significance of this alteration remains unclear.